The following is an entry in ClinVar:

NC_000006.12:g.(?_5613149)_(5613340_?)del

Gene: FARS2 (phenylalanyl-tRNA synthetase 2, mitochondrial; plus strand). Cytogenetic location: 6p25.1.
Variant type: Deletion.
Identifiers: ClinVar variation 3246034 (VCV003246034.1).

ClinVar aggregate classification (germline): Pathogenic (1 of 4 stars; one submission).

Conditions:
Combined oxidative phosphorylation defect type 14. Also called: Combined oxidative phosphorylation deficiency 14. Identifiers: Orphanet 319519, MedGen C4755312, MONDO:0013986, OMIM 614946.

Submission:

Labcorp Genetics (formerly Invitae), Labcorp
Classification: Pathogenic for Combined oxidative phosphorylation defect type 14. Last evaluated: 2023-12-17. Review status: criteria provided, single submitter. Criteria: Invitae Variant Classification Sherloc (09022015). Collection method: clinical testing. Allele origin: unknown.
Comment: This variant is a gross deletion of the genomic region encompassing exon(s) 6 of the FARS2 gene. While this deletion is not anticipated to lead to nonsense mediated decay, it is expected to disrupt the C-terminus of the protein. A similar copy number variant has been observed in individual(s) with autosomal recessive FARS2-related conditions (PMID: 25851414, 31106652). In at least one individual the data is consistent with being in trans (on the opposite chromosome) from a pathogenic variant. It has also been observed to segregate with disease in related individuals. For these reasons, this variant has been classified as Pathogenic.

Literature cited by the submitters: PubMed 25851414; PubMed 31106652.